The following is an entry in ClinVar:

NM_000037.4(ANK1):c.34GCT[1] (p.Ala13del)

Gene: ANK1 (ankyrin 1; minus strand). Cytogenetic location: 8p11.21.
Variant type: Microsatellite.
Coding change: c.34GCT[1] on transcript NM_000037.4 (MANE Select); one copy of the 3-base unit GCT starting at c.34; the reference has two copies in a row; one copy, 3 bases deleted; also written c.37_39del.
Protein change: p.Ala13del; deletes alanine 13.
Molecular consequence: inframe deletion.
Genome position (GRCh38, 1-based): chr8:41,758,126-41,758,128, AGC deleted on the plus strand (GCT on the coding strand, the reverse complement: ANK1 is on the minus strand); deleting any 3 consecutive bases within chr8:41,758,126-41,758,132 gives the same sequence; the position shown is the placement nearest the transcript's 3' end. VCF-style (leftmost placement, unchanged base first): chr8-41758125-TAGC-T. GRCh37 (hg19) VCF-style: chr8-41615643-TAGC-T.
Other names: c.37_39del (NM_000037.4); c.133GCT[1], p.Ala46del (NM_001142446.2); c.34GCT[1], p.Ala13del (NM_020475.3, NM_020476.3, NM_020477.3); short protein forms A13del, A46del.
Identifiers: ClinVar variation 5018911 (VCV005018911.2).

ClinVar aggregate classification (germline): Uncertain significance (1 of 4 stars; one submission).

Conditions:
Hereditary spherocytosis type 1. Also called: Spherocytosis type 1; ANK1-Related Spherocytosis. Identifiers: Orphanet 822, MedGen C2674218, MONDO:0008447, OMIM 182900.

Submission:

Juno Genomics, Hangzhou Juno Genomics, Inc
Classification: Uncertain significance for Hereditary spherocytosis type 1. Review status: criteria provided, single submitter. Criteria: ACMG Guidelines, 2015. Collection method: clinical testing. Allele origin: germline.
Comment: Absent from controls (or at extremely low frequency if recessive) in Genome Aggregation Database.;Protein length changes due to in-frame deletions/insertions in a non-repeat region or stop-loss variants.